The following is an entry in ClinVar:

ClinVar aggregate classification (germline): Uncertain significance (1 of 4 stars; one submission).

Submission:

Labcorp Genetics (formerly Invitae), Labcorp
Classification: Uncertain significance. Last evaluated: 2021-11-11. Review status: criteria provided, single submitter. Criteria: Invitae Variant Classification Sherloc (09022015). Collection method: clinical testing. Allele origin: germline.
Comment: This sequence change creates a premature translational stop signal (p.Lys401Argfs*8) in the CPA1 gene. While this is not anticipated to result in nonsense mediated decay, it is expected to disrupt the last 19 amino acid(s) of the CPA1 protein. This variant is not present in population databases (gnomAD no frequency). This variant has not been reported in the literature in individuals affected with CPA1-related conditions. In summary, the available evidence is currently insufficient to determine the role of this variant in disease. Therefore, it has been classified as a Variant of Uncertain Significance.

NM_001868.4(CPA1):c.1202del (p.Lys401fs)

Gene: CPA1 (carboxypeptidase A1; plus strand). Cytogenetic location: 7q32.2.
Variant type: Deletion.
Coding change: c.1202del on transcript NM_001868.4 (MANE Select); coding-DNA position 1202, one base deleted (A; older notation c.1202delA).
Protein change: p.Lys401fs; shifts the reading frame from lysine 401.
Molecular consequence: frameshift variant.
Genome position (GRCh38, 1-based): chr7:130,387,953, A deleted; the last of 2 consecutive A bases (chr7:130,387,952-130,387,953); deleting either gives the same sequence. VCF-style (leftmost placement, unchanged base first): chr7-130387951-CA-C. GRCh37 (hg19) VCF-style: chr7-130027792-CA-C.
Other names: short protein forms K401fs.
Identifiers: ClinVar variation 1392564 (VCV001392564.6), dbSNP rs2117509271, ClinGen allele CA2573141737.